The following is an entry in ClinVar:

NM_003036.4(SKI):c.100G>A (p.Gly34Ser)

Gene: SKI (SKI proto-oncogene; plus strand). Cytogenetic location: 1p36.33.
Variant type: single nucleotide variant.
Coding change: c.100G>A on transcript NM_003036.4 (MANE Select); coding-DNA position 100, G replaced by A.
Protein change: p.Gly34Ser; replaces glycine 34 with serine.
Molecular consequence: missense variant.
Genome position (GRCh38, 1-based): chr1:2,228,866, G>A. VCF-style: chr1-2228866-G-A. GRCh37 (hg19) VCF-style: chr1-2160305-G-A.
Other names: p.G34S:GGC>AGC; NM_003036.3(SKI):c.100G>A(p.Gly34Ser); short protein forms G34S.
Identifiers: ClinVar variation 37261 (VCV000037261.8), dbSNP rs387907306, ClinGen allele CA260608.

ClinVar aggregate classification (germline): Pathogenic/Likely pathogenic. Review status: criteria provided, multiple submitters, no conflicts (2 of 4 stars). 7 submissions from 7 submitters: Pathogenic (4); Likely pathogenic (1). 2 of the submissions do not count toward it. Last evaluated 2022-04-26.

Conditions:
Inborn genetic diseases. Identifiers: MedGen C0950123, MeSH D030342.
Shprintzen-Goldberg syndrome (SGS). Also called: SHPRINTZEN-GOLDBERG CRANIOSYNOSTOSIS SYNDROME; CRANIOSYNOSTOSIS WITH ARACHNODACTYLY AND ABDOMINAL HERNIAS; Marfanoid disorder with craniosynostosis type 1; Marfanoid craniosynostosis syndrome; Shprintzen-Goldberg marfanoid syndrome. Identifiers: Orphanet 2462, MedGen C1321551, MONDO:0008426, OMIM 182212.

Submissions (7):

Women's Health and Genetics/Laboratory Corporation of America, LabCorp
Classification: Pathogenic for Shprintzen-Goldberg syndrome. Last evaluated: 2022-04-26. Review status: criteria provided, single submitter. Criteria: LabCorp Variant Classification Summary - May 2015. Collection method: clinical testing. Allele origin: germline.
Comment: Variant summary: SKI c.100G>A (p.Gly34Ser) results in a non-conservative amino acid change located in the R-SMAD domain (Carmignac_2012) of the encoded protein sequence. Five of five in-silico tools predict a damaging effect of the variant on protein function. The variant was absent in 95400 control chromosomes. c.100G>A has been reported in the literature in individuals affected with Shprintzen-Goldberg Syndrome (example, Doyle_2012, Carmignac_2012, Au_2014, Schepers_2015, Nayak_2021). Mutations in exon 1 of SKI have recently been identified as being responsible for approximately 90% of reported individuals diagnosed clinically with Shprintzen-Goldberg syndrome (Au_2014). These data indicate that the variant is likely to be associated with disease. To our knowledge, no experimental evidence demonstrating an impact on protein function has been reported. Four clinical diagnostic laboratories have submitted clinical-significance assessments for this variant to ClinVar after 2014 without evidence for independent evaluation. All laboratories classified the variant as pathogenic/likely pathogenic. Based on the evidence outlined above, the variant was classified as pathogenic.

SIB Swiss Institute of Bioinformatics
Classification: Likely pathogenic for Shprintzen-Goldberg syndrome. Last evaluated: 2018-05-31. Review status: criteria provided, single submitter. Criteria: ACMG Guidelines, 2015. Collection method: curation. Allele origin: unknown.
Comment: This variant is interpreted as a Likely Pathogenic, for Shprintzen-Goldberg craniosynostosis syndrome, in Autosomal Dominant manner. The following ACMG Tag(s) were applied: PM5 => Novel missense change at an amino acid residue where a different missense change determined to be pathogenic has been seen before. PP3 => Multiple lines of computational evidence support a deleterious effect on the gene or gene product. PM1 => Located in a mutational hot spot and/or critical and well-established functional domain (e.g., active site of an enzyme) without benign variation. PM6 => Assumed de novo, but without confirmation of paternity and maternity (PMID:24736733). PM2 => Absent from controls (or at extremely low frequency if recessive) in Exome Sequencing Project, 1000 Genomes Project, or Exome Aggregation Consortium. PS4-Moderate => PS4 downgraded in strength to Moderate (PMID:23023332,23103230,24736733).

Ambry Genetics
Classification: Pathogenic for Inborn genetic diseases. Last evaluated: 2016-09-15. Review status: criteria provided, single submitter. Criteria: Ambry exome assertion method (8-5-2015). Collection method: clinical testing. Allele origin: germline. Affected: yes. Observed: 1 variant allele.

GeneDx
Classification: Pathogenic. Last evaluated: 2014-12-11. Review status: criteria provided, single submitter. Criteria: GeneDx Variant Classification (06012015). Collection method: clinical testing. Allele origin: germline. Affected: yes.
Comment: p.Gly34Ser (GGC>AGC): c.100 G>A in exon 1 of the SKI gene (NM_003036.3) The G34S mutation in the SKI gene has been reported in three individuals with clinical diagnoses of SGS (Doyle et al., 2012; Carmignac et al., 2012, Schepers et al., 2014). The Gly34 residue appears to be a recurrent mutation hotspot in the R-SMAD binding domain of the SKI gene, as different mutations impacting this amino acid (G34D, G34C, G34V) have been reported (Doyle et al., 2012; Carmignac et al., 2012, Schepers et al., 2014). Mutations in nearby residues (S31L, L32V, L32P, P35S, P35Q) have also been reported in association with SGS, further supporting the functional importance of this region of the protein. G34S results in a non-conservative amino acid substitution of Glycine at a position that is conserved, when present, across species. This variant was found in TAADV2-1,SKI

Baylor-Hopkins Center for Mendelian Genomics, Johns Hopkins University School of Medicine
Classification: Pathogenic for Shprintzen-Goldberg syndrome. Review status: criteria provided, single submitter. Criteria: Submitter's publication. Collection method: research. Allele origin: de novo. Affected: yes. Observed: 1 heterozygote.

Centre de Biologie Pathologie Génétique, Centre Hospitalier Universitaire de Lille
Classification: Pathogenic for Shprintzen-Goldberg syndrome. Last evaluated: 2019-01-01. Review status: no assertion criteria provided. Collection method: clinical testing. Allele origin: de novo. Affected: yes. Not counted in ClinVar's aggregate classification.

OMIM
Classification: Pathogenic for SHPRINTZEN-GOLDBERG CRANIOSYNOSTOSIS SYNDROME. Last evaluated: 2015-02-01. Review status: no assertion criteria provided. Collection method: literature only. Allele origin: germline. Not counted in ClinVar's aggregate classification.

Literature cited by the submitters: PubMed 33436942 (cited by Women's Health and Genetics/Laboratory Corporation of America, LabCorp); PubMed 24357594 (cited by Women's Health and Genetics/Laboratory Corporation of America, LabCorp); PubMed 23103230 (cited by 4 submitters); PubMed 23023332 (cited by 4 submitters); PubMed 24736733 (cited by 4 submitters); PubMed 19114989 (cited by Ambry Genetics).